The following is an entry in ClinVar:

ClinVar aggregate classification (germline): Conflicting classifications of pathogenicity. Review status: criteria provided, conflicting classifications (1 of 4 stars). 4 submissions from 4 submitters: Uncertain significance (1); Likely benign (3). Last evaluated 2025-12-29.

Conditions:
Dilated cardiomyopathy 1C (CMD1C). Also called: CARDIOMYOPATHY, DILATED, 1C, WITH OR WITHOUT LEFT VENTRICULAR NONCOMPACTION; Cardiomyopathy, dilated, 1C, with or without LVNC. Identifiers: Orphanet 154, Orphanet 54260, MedGen C1832244, MONDO:0011094, OMIM 601493.
Myofibrillar myopathy 4. Also called: Zaspopathy (type). Identifiers: Orphanet 98912, MedGen C4721886, MONDO:0012277, OMIM 609452.
Cardiovascular phenotype. Identifiers: MedGen CN230736.

Allele frequency attached by ClinVar (database versions not stated): ExAC 0.00002; gnomAD 0.00001; gnomAD exomes 0.00002 and below 0.00001; TOPMed 0.00002; 1000 Genomes Project 30x 0.00031; 1000 Genomes Project 0.00040.
gnomAD v4.1: 37 of 1,614,096 alleles (0.0023%); highest among the groups gnomAD compares: Middle Eastern, 0.05%; no homozygotes.

Submissions (4):

Labcorp Genetics (formerly Invitae), Labcorp
Classification: Likely benign for Myofibrillar myopathy 4. Last evaluated: 2025-12-29. Review status: criteria provided, single submitter. Criteria: Invitae Variant Classification Sherloc (09022015). Collection method: clinical testing. Allele origin: germline.

Blueprint Genetics
Classification: Likely benign. Last evaluated: 2024-09-16. Review status: criteria provided, single submitter. Criteria: ACMG Guidelines, 2015. Collection method: clinical testing. Allele origin: germline.

Ambry Genetics
Classification: Likely benign for Cardiovascular phenotype. Last evaluated: 2019-05-20. Review status: criteria provided, single submitter. Criteria: Ambry Variant Classification Scheme 2023. Collection method: clinical testing. Allele origin: germline.

Baylor Genetics
Classification: Uncertain significance for Dilated cardiomyopathy 1C. Last evaluated: 2018-12-13. Review status: criteria provided, single submitter. Criteria: ACMG Guidelines, 2015. Collection method: clinical testing. Allele origin: unknown. Affected: yes.
Comment: This variant was determined to be of uncertain significance according to ACMG Guidelines, 2015 [PMID:25741868].

NM_007078.3(LDB3):c.1851T>C (p.Ile617=)

Gene: LDB3 (LIM domain binding 3; plus strand). Cytogenetic location: 10q23.2.
Variant type: single nucleotide variant.
Coding change: c.1851T>C on transcript NM_007078.3 (MANE Select); coding-DNA position 1851, T replaced by C.
Protein change: p.Ile617=; no amino-acid change (isoleucine 617 retained).
Molecular consequence: synonymous variant.
Genome position (GRCh38, 1-based): chr10:86,718,138, T>C. VCF-style: chr10-86718138-T-C. GRCh37 (hg19) VCF-style: chr10-88477895-T-C.
Other names: c.1851T>C (LRG_385t1); c.1521T>C, p.Ile507= (NM_001080114.2); c.1866T>C, p.Ile622= (NM_001171610.2); c.1662T>C, p.Ile554= (NM_001368064.1, NM_001368065.1); c.1710T>C, p.Ile570= (NM_001368066.1); c.*18764T>C (NM_001080116.1).
Identifiers: ClinVar variation 240719 (VCV000240719.16), dbSNP rs145402041, ClinGen allele CA5585236.